The following is an entry in ClinVar:

NM_014727.3(KMT2B):c.2774G>A (p.Gly925Glu)

Gene: KMT2B (lysine methyltransferase 2B; plus strand). Cytogenetic location: 19q13.12.
Variant type: single nucleotide variant.
Coding change: c.2774G>A on transcript NM_014727.3 (MANE Select); coding-DNA position 2774, G replaced by A.
Protein change: p.Gly925Glu; replaces glycine 925 with glutamic acid.
Molecular consequence: missense variant.
Genome position (GRCh38, 1-based): chr19:35,723,046, G>A. VCF-style: chr19-35723046-G-A. GRCh37 (hg19) VCF-style: chr19-36213948-G-A.
Other names: short protein forms G925E.
Identifiers: ClinVar variation 2745590 (VCV002745590.3), dbSNP rs771022481, ClinGen allele CA9384575.
Genomic context (GRCh38, chr19:35,723,046, plus strand): 5'-CTGCAATAGATACATCATCGGCGTCCGAGACTGAGAGTGTCCCGTCACGGTCCCGGCGGG[G>A]AAAGGTGGAGGCAGCAGGCCCTGGGGGAGAATCAGAGCCCACAGGTTCTGGAGGGACCCT-3'
Protein context (NP_055542.1, residues 915-935): TESVPSRSRR[Gly925Glu]KVEAAGPGGE

ClinVar aggregate classification (germline): Uncertain significance (1 of 4 stars; one submission).

Allele frequency attached by ClinVar (database versions not stated): ExAC 0.00001.

Submission:

Labcorp Genetics (formerly Invitae), Labcorp
Classification: Uncertain significance. Last evaluated: 2023-07-20. Review status: criteria provided, single submitter. Criteria: Invitae Variant Classification Sherloc (09022015). Collection method: clinical testing. Allele origin: germline.
Comment: This sequence change replaces glycine, which is neutral and non-polar, with glutamic acid, which is acidic and polar, at codon 925 of the KMT2B protein (p.Gly925Glu). This variant is present in population databases (rs771022481, gnomAD 0.0009%). This variant has not been reported in the literature in individuals affected with KMT2B-related conditions. Algorithms developed to predict the effect of missense changes on protein structure and function output the following: SIFT: "Not Available"; PolyPhen-2: "Not Available"; Align-GVGD: "Not Available". The glutamic acid amino acid residue is found in multiple mammalian species, which suggests that this missense change does not adversely affect protein function. In summary, the available evidence is currently insufficient to determine the role of this variant in disease. Therefore, it has been classified as a Variant of Uncertain Significance.